The following is an entry in ClinVar:

ClinVar aggregate classification (germline): Uncertain significance (1 of 4 stars; one submission).

Submission:

GeneDx
Classification: Uncertain significance. Last evaluated: 2023-02-07. Review status: criteria provided, single submitter. Criteria: GeneDx Variant Classification Process June 2021. Collection method: clinical testing. Allele origin: germline.
Comment: Not observed at significant frequency in large population cohorts (gnomAD); In silico analysis supports that this missense variant has a deleterious effect on protein structure/function; Has not been previously published as pathogenic or benign to our knowledge

NM_005660.3(SLC35A2):c.343C>T (p.Leu115Phe)

Gene: SLC35A2 (solute carrier family 35 member A2; minus strand). Cytogenetic location: Xp11.23.
Variant type: single nucleotide variant.
Coding change: c.343C>T on transcript NM_005660.3 (MANE Select); coding-DNA position 343, C replaced by T.
Protein change: p.Leu115Phe; replaces leucine 115 with phenylalanine.
Molecular consequence: missense variant.
Genome position (GRCh38, 1-based): chrX:48,906,475, G>A on the plus strand (C>T on the coding strand, the complement: SLC35A2 is on the minus strand). VCF-style: chrX-48906475-G-A. GRCh37 (hg19) VCF-style: chrX-48763752-G-A.
Other names: c.343C>T, p.Leu115Phe (NM_001032289.3, NM_001042498.3, NM_001282647.2); c.271C>T, p.Leu91Phe (NM_001282648.2); c.160C>T, p.Leu54Phe (NM_001282649.2); c.382C>T, p.Leu128Phe (NM_001282650.2); c.427C>T, p.Leu143Phe (NM_001282651.2); short protein forms L115F, L128F, L143F, L54F, L91F.
Identifiers: ClinVar variation 2412867 (VCV002412867.4), dbSNP rs2519651523, ClinGen allele CA412896697.